The following is an entry in ClinVar:

ClinVar aggregate classification (germline): Uncertain significance (1 of 4 stars; one submission).

Conditions:
Cardiovascular phenotype. Identifiers: MedGen CN230736.

Submission:

Ambry Genetics
Classification: Uncertain significance for Cardiovascular phenotype. Last evaluated: 2023-03-18. Review status: criteria provided, single submitter. Criteria: Ambry Variant Classification Scheme 2023. Collection method: clinical testing. Allele origin: germline.
Comment: The p.W598R variant (also known as c.1792T>C), located in coding exon 12 of the ABCG8 gene, results from a T to C substitution at nucleotide position 1792. The tryptophan at codon 598 is replaced by arginine, an amino acid with dissimilar properties. This amino acid position is conserved. In addition, this alteration is predicted to be deleterious by in silico analysis. Since supporting evidence is limited at this time, the clinical significance of this alteration remains unclear.

NM_022437.3(ABCG8):c.1792T>C (p.Trp598Arg)

Gene: ABCG8 (ATP binding cassette subfamily G member 8; plus strand). Cytogenetic location: 2p21.
Variant type: single nucleotide variant.
Coding change: c.1792T>C on transcript NM_022437.3 (MANE Select); coding-DNA position 1792, T replaced by C.
Protein change: p.Trp598Arg; replaces tryptophan 598 with arginine.
Molecular consequence: missense variant.
Genome position (GRCh38, 1-based): chr2:43,877,596, T>C. VCF-style: chr2-43877596-T-C. GRCh37 (hg19) VCF-style: chr2-44104735-T-C.
Other names: c.1789T>C, p.Trp597Arg (NM_001357321.2); short protein forms W597R, W598R.
Identifiers: ClinVar variation 2565402 (VCV002565402.2), dbSNP rs2466291471, ClinGen allele CA346670814.